The following is an entry in ClinVar:

NC_000021.8:g.(?_43791998)_(43816162_?)dup

Gene: TMPRSS3 (transmembrane serine protease 3; minus strand). Cytogenetic location: 21q22.3.
Variant type: Duplication.
Identifiers: ClinVar variation 4526035 (VCV004526035.1).

ClinVar aggregate classification (germline): Uncertain significance (1 of 4 stars; one submission).

Submission:

Women's Health and Genetics/Laboratory Corporation of America, LabCorp
Classification: Uncertain significance. Last evaluated: 2025-07-09. Review status: criteria provided, single submitter. Criteria: LabCorp Variant Classification Summary - May 2015. Collection method: clinical testing. Allele origin: germline.
Comment: Variant summary: The variant involves the duplication of exons 1-13 in the TMPRSS3 gene. A presumed nomenclature of c.(?_-163)_(*873_?)dup has been designated for the purposes of this classification. This duplication includes the entire coding sequence of the gene. As exact breakpoints are unknown, it may extend beyond the annotated region of the gene, to include other flanking genes. The variant was absent in 21694 control chromosomes. The available data on variant occurrences in the general population are insufficient to allow any conclusion about variant significance. To our knowledge, no occurrence of c.(?_-163)_(*873_?)dup in individuals affected with Deafness, Autosomal Recessive 8 and no experimental evidence demonstrating its impact on protein function have been reported. No submitters have cited clinical-significance assessments for this variant to ClinVar. Based on the evidence outlined above, the variant was classified as uncertain significance.